The following is an entry in ClinVar:

NM_194248.3(OTOF):c.1366_1367insC (p.Val456fs)

Gene: OTOF (otoferlin; minus strand). Cytogenetic location: 2p23.3.
Variant type: Insertion.
Coding change: c.1366_1367insC on transcript NM_194248.3 (MANE Select); coding-DNA positions 1366 to 1367, C inserted.
Protein change: p.Val456fs; shifts the reading frame from valine 456.
Molecular consequence: frameshift variant.
Genome position: GRCh38 VCF-style: chr2-26483487-A-AG. GRCh37 (hg19) VCF-style: chr2-26706355-A-AG.
Other names: c.1366_1367insC, p.Val456fs (NM_001287489.2); short protein forms V456fs.
Identifiers: ClinVar variation 3601520 (VCV003601520.2).
Genomic context (GRCh38, chr2:26,483,487, plus strand): 5'-CCAGCCCCAGCCTCCTGTACCTCATACCCCAGTACCTTCTGGCCAGCAAAGAAGACTTGC[A>AG]CGTAGGGGTCCACGAGGTCCTTGTTTTCACCGATGAAAGCCTTCTTTACATTGGCCATGA-3'

ClinVar aggregate classification (germline): Pathogenic/Likely pathogenic. Review status: criteria provided, multiple submitters, no conflicts (2 of 4 stars). 2 submissions from 2 submitters: Pathogenic (1); Likely pathogenic (1). Last evaluated 2025-01-09.

Conditions:
OTOF-related disorder. Also called: OTOF-related condition.
Autosomal recessive nonsyndromic hearing loss 9. Also called: Deafness, autosomal recessive 9; NEUROSENSORY NONSYNDROMIC RECESSIVE DEAFNESS 9; OTOF-Related Hearing Loss; AUDITORY NEUROPATHY, AUTOSOMAL RECESSIVE, 1, TEMPERATURE-SENSITIVE. Identifiers: Orphanet 90636, MedGen C1832828, MONDO:0010986, OMIM 601071.

Submissions (2):

Institute of Rare Diseases, West China Hospital, Sichuan University
Classification: Pathogenic for Autosomal recessive nonsyndromic hearing loss 9. Last evaluated: 2025-01-09. Review status: criteria provided, single submitter. Criteria: ClinGen HL ACMG Specifications v1. Collection method: research. Allele origin: germline. Affected: yes.
Comment: PVS1;PM3;PM2_Supporting

Blueprint Genetics
Classification: Likely pathogenic for OTOF-related disorders. Last evaluated: 2019-03-20. Review status: criteria provided, single submitter. Criteria: ACMG Guidelines, 2015. Collection method: clinical testing. Allele origin: germline. Affected: yes. Observed: 1 variant allele.